The following is an entry in ClinVar:

NM_001042492.3(NF1):c.8009_8011del (p.Ser2670del)

Gene: NF1 (neurofibromin 1; plus strand). Cytogenetic location: 17q11.2.
Variant type: Deletion.
Coding change: c.8009_8011del on transcript NM_001042492.3 (MANE Select); coding-DNA positions 8009 to 8011, 3 bases deleted (CAT; older notation c.8009_8011delCAT).
Protein change: p.Ser2670del; deletes serine 2670.
Molecular consequence: inframe deletion. On other transcripts: inframe indel (1).
Genome position (GRCh38, 1-based): chr17:31,358,518-31,358,520, CAT deleted; deleting any 3 consecutive bases within chr17:31,358,516-31,358,520 gives the same sequence; the c. name uses the placement nearest the transcript's 3' end. VCF-style (leftmost placement, unchanged base first): chr17-31358515-TATC-T. GRCh37 (hg19) VCF-style: chr17-29685533-TATC-T.
Other names: c.7946_7948delCAT (NM_000267.3); c.7946_7948delCAT, p.Ser2649del (NM_000267.4); short protein forms S2649del, S2670del.
Identifiers: ClinVar variation 1761339 (VCV001761339.2), dbSNP rs2508834937, ClinGen allele CA2580093487.

ClinVar aggregate classification (germline): Uncertain significance (1 of 4 stars; one submission).

Conditions:
Hereditary cancer-predisposing syndrome. Also called: Neoplastic Syndromes, Hereditary; Tumor predisposition; Hereditary Cancer Syndrome; Hereditary neoplastic syndrome. Identifiers: Orphanet 140162, MedGen C0027672, MeSH D009386, MONDO:0015356.
Cardiovascular phenotype. Identifiers: MedGen CN230736.

Submission:

Ambry Genetics
Classification: Uncertain significance for Cardiovascular phenotype; Hereditary cancer-predisposing syndrome. Last evaluated: 2022-08-18. Review status: criteria provided, single submitter. Criteria: Ambry Variant Classification Scheme 2023. Collection method: clinical testing. Allele origin: germline.
Comment: The c.7946_7948delCAT variant (also known as p.S2649del) is located in coding exon 54 of the NF1 gene. This variant results from an in-frame CAT deletion at nucleotide positions 7946 to 7948. This results in the in-frame deletion of a serine at codon 2649. This amino acid position is highly conserved in available vertebrate species. Since supporting evidence is limited at this time, the clinical significance of this alteration remains unclear.